The following is an entry in ClinVar:

ClinVar aggregate classification (germline): Uncertain significance (1 of 4 stars; one submission).

Submission:

Greenwood Genetic Center Diagnostic Laboratories, Greenwood Genetic Center
Classification: Uncertain significance. Last evaluated: 2025-04-15. Review status: criteria provided, single submitter. Criteria: ACMG Guidelines, 2015. Collection method: clinical testing. Allele origin: germline. Affected: yes.
Comment: PM2, PP2, PP3

NM_000719.7(CACNA1C):c.1027A>G (p.Ile343Val)

Gene: CACNA1C (calcium voltage-gated channel subunit alpha1 C; plus strand). Cytogenetic location: 12p13.33.
Variant type: single nucleotide variant.
Coding change: c.1027A>G on transcript NM_000719.7 (MANE Select); coding-DNA position 1027, A replaced by G.
Protein change: p.Ile343Val; replaces isoleucine 343 with valine.
Molecular consequence: missense variant.
Genome position (GRCh38, 1-based): chr12:2,493,300, A>G. VCF-style: chr12-2493300-A-G. GRCh37 (hg19) VCF-style: chr12-2602466-A-G.
Other names: c.1027A>G, p.Ile343Val (NM_001129827.2, NM_001129829.2, NM_001129830.3 and 18 more transcripts); c.1018A>G, p.Ile340Val (NM_001129844.2); short protein forms I340V, I343V.
Identifiers: ClinVar variation 4538362 (VCV004538362.1).
Genomic context (GRCh38, chr12:2,493,300, plus strand): 5'-GGGCGGCAGTGCCAGAACGGCACGGTGTGCAAGCCCGGCTGGGATGGTCCCAAGCACGGC[A>G]TCACCAACTTTGACAACTTTGCCTTCGCCATGCTCACGGTGTTCCAGTGCATCACCATGG-3'
Protein context (NP_000710.5, residues 333-353): KPGWDGPKHG[Ile343Val]TNFDNFAFAM